The following is an entry in ClinVar:

ClinVar aggregate classification (germline): Pathogenic/Likely pathogenic. Review status: criteria provided, multiple submitters, no conflicts (2 of 4 stars). 3 submissions from 3 submitters: Pathogenic (1); Likely pathogenic (2). Last evaluated 2025-10-31.

Conditions:
Tooth agenesis, selective, 4 (STHAG4). Also called: SUCCEDANEOUS TEETH, AGENESIS OF; TOOTH AGENESIS, SELECTIVE, 4, WITH OR WITHOUT ECTODERMAL DYSPLASIA; LATERAL INCISORS, ABSENCE OF; LATERAL INCISORS, PEGGED OR MISSING. Identifiers: Orphanet 99798, MedGen C1835492, MONDO:0007881, OMIM 150400. Disease mechanism: loss of function.
Odonto-onycho-dermal dysplasia. Identifiers: Orphanet 2721, MedGen C0796093, MONDO:0009773, OMIM 257980.
Schöpf-Schulz-Passarge syndrome. Also called: SchC6pf-Schulz-Passarge syndrome; ECCRINE TUMORS WITH ECTODERMAL DYSPLASIA; KERATOSIS PALMOPLANTARIS WITH CYSTIC EYELIDS, HYPODONTIA, AND HYPOTRICHOSIS. Identifiers: Orphanet 50944, MedGen C1857069, MONDO:0009145, OMIM 224750.

Submissions (3):

Labcorp Genetics (formerly Invitae), Labcorp
Classification: Pathogenic for Tooth agenesis, selective, 4; Odonto-onycho-dermal dysplasia. Last evaluated: 2025-10-31. Review status: criteria provided, single submitter. Criteria: Invitae Variant Classification Sherloc (09022015). Collection method: clinical testing. Allele origin: germline.
Comment: This sequence change is expected to alter the c-terminus of the WNT10A protein (p.Asp335Glyfs*108). While this is not anticipated to result in nonsense mediated decay, it is expected to disrupt the last 83 amino acid(s) of the WNT10A protein and extend the protein by 24 additional amino acid residues. This variant is not present in population databases (gnomAD no frequency). This variant has not been reported in the literature in individuals affected with WNT10A-related conditions. ClinVar contains an entry for this variant (Variation ID: 1072161). This variant disrupts a region of the WNT10A protein in which other variant(s) (p.Glu390*) have been determined to be pathogenic (PMID: 24902757, 30569517). This suggests that this is a clinically significant region of the protein, and that variants that disrupt it are likely to be disease-causing. For these reasons, this variant has been classified as Pathogenic.

Natera, Inc.
Classification: Likely pathogenic for Schopf-Schulz-Passarge syndrome. Last evaluated: 2025-10-13. Review status: criteria provided, single submitter. Criteria: Natera Variant Classification Schema (03/2026). Collection method: clinical testing. Allele origin: germline.
Comment: The c.990_1003dupGGCCAGCCCCGCCG variant in WNT10A is a frameshift variant predicted to elongate the protein beyond the termination codon. This variant is expected to result in nonsense mediated decay, truncation, or a dysfunctional protein product. This variant is rare in the general population with a frequency below the threshold expected for the associated phenotype(s). Given the available evidence, this variant is classified as Likely Pathogenic.

Revvity Omics, Revvity
Classification: Likely pathogenic. Last evaluated: 2021-12-06. Review status: criteria provided, single submitter. Criteria: ACMG Guidelines, 2015. Collection method: clinical testing. Allele origin: germline.

Literature cited by the submitters: PubMed 24902757 (cited by Labcorp Genetics (formerly Invitae), Labcorp); PubMed 30569517 (cited by Labcorp Genetics (formerly Invitae), Labcorp).

NM_025216.3(WNT10A):c.990_1003dup (p.Asp335fs)

Gene: WNT10A (Wnt family member 10A; plus strand). Cytogenetic location: 2q35.
Variant type: Duplication.
Coding change: c.990_1003dup on transcript NM_025216.3 (MANE Select); coding-DNA positions 990 to 1003, 14 bases duplicated (GGCCAGCCCCGCCG).
Protein change: p.Asp335fs; shifts the reading frame from aspartic acid 335.
Molecular consequence: frameshift variant.
Genome position (GRCh38, 1-based): chr2:218,893,007-218,893,020, GGCCAGCCCCGCCG duplicated; duplicating any 14 consecutive bases within chr2:218,893,005-218,893,020 gives the same sequence; the c. name uses the placement nearest the transcript's 3' end. VCF-style (leftmost placement, unchanged base first): chr2-218893004-A-ACGGGCCAGCCCCGC. GRCh37 (hg19) VCF-style: chr2-219757726-A-ACGGGCCAGCCCCGC.
Other names: c.990_1003dupGGCCAGCCCCGCCG (NM_025216.2); short protein forms D335fs.
Identifiers: ClinVar variation 1072161 (VCV001072161.12), dbSNP rs1203128182, ClinGen allele CA764943626.